The following is an entry in ClinVar:

NM_004304.5(ALK):c.2626G>C (p.Ala876Pro)

Gene: ALK (ALK receptor tyrosine kinase; minus strand). Cytogenetic location: 2p23.2.
Variant type: single nucleotide variant.
Coding change: c.2626G>C on transcript NM_004304.5 (MANE Select); coding-DNA position 2626, G replaced by C.
Protein change: p.Ala876Pro; replaces alanine 876 with proline.
Molecular consequence: missense variant.
Genome position (GRCh38, 1-based): chr2:29,232,310, C>G on the plus strand (G>C on the coding strand, the complement: ALK is on the minus strand). VCF-style: chr2-29232310-C-G. GRCh37 (hg19) VCF-style: chr2-29455176-C-G.
Other names: short protein forms A876P.
Identifiers: ClinVar variation 2842044 (VCV002842044.3), dbSNP rs2148183249, ClinGen allele CA346471479.
Genomic context (GRCh38, chr2:29,232,310, plus strand): 5'-CCAGCTGAAGGCCTGGGAGAGGTTCTGGGAGAGGGCACGCTTGCAGCGCTTTACCTGCGG[C>G]TCCGGAATTGCCGTTTAGCCCTAGAACCGAGGAGTTATTCTCCAGTCTCTCTGGGTGGAA-3'
Protein context (NP_004295.2, residues 866-886): SVLGLNGNSG[Ala876Pro]AGGGGGWNDN

ClinVar aggregate classification (germline): Uncertain significance (1 of 4 stars; one submission).

Conditions:
Neuroblastoma, susceptibility to, 3. Also called: ALK-Related Neuroblastic Tumor Susceptibility. Identifiers: Orphanet 635, MedGen C2751681, MONDO:0013083, OMIM 613014.

Submission:

Labcorp Genetics (formerly Invitae), Labcorp
Classification: Uncertain significance for Neuroblastoma, susceptibility to, 3. Last evaluated: 2023-03-02. Review status: criteria provided, single submitter. Criteria: Invitae Variant Classification Sherloc (09022015). Collection method: clinical testing. Allele origin: germline.
Comment: This sequence change replaces alanine, which is neutral and non-polar, with proline, which is neutral and non-polar, at codon 876 of the ALK protein (p.Ala876Pro). In summary, the available evidence is currently insufficient to determine the role of this variant in disease. Therefore, it has been classified as a Variant of Uncertain Significance. An algorithm developed to predict the effect of missense changes on protein structure and function (PolyPhen-2) suggests that this variant is likely to be disruptive. This variant has not been reported in the literature in individuals affected with ALK-related conditions. This variant is not present in population databases (gnomAD no frequency).